The following is an entry in ClinVar:

NM_001370466.1(NOD2):c.821C>T (p.Ala274Val)

Gene: NOD2 (nucleotide binding oligomerization domain containing 2; plus strand). Cytogenetic location: 16q12.1.
Variant type: single nucleotide variant.
Coding change: c.821C>T on transcript NM_001370466.1 (MANE Select); coding-DNA position 821, C replaced by T.
Protein change: p.Ala274Val; replaces alanine 274 with valine.
Molecular consequence: missense variant. On other transcripts: non-coding transcript variant (1).
Genome position (GRCh38, 1-based): chr16:50,710,813, C>T. VCF-style: chr16-50710813-C-T. GRCh37 (hg19) VCF-style: chr16-50744724-C-T.
Other names: c.902C>T (LRG_177t1); c.821C>T, p.Ala274Val (NM_001293557.2); c.902C>T, p.Ala301Val (NM_022162.3); short protein forms A301V, A274V.
Identifiers: ClinVar variation 97884 (VCV000097884.18), dbSNP rs104895426, ClinGen allele CA150351.
Genomic context (GRCh38, chr16:50,710,813, plus strand): 5'-TCTTCAGCACCCCTGGCCACCTCAATGACGATGCGGACACTGTGCTGGTGGTGGGTGAGG[C>T]GGGCAGTGGCAAGAGCACGCTCCTGCAGCGGCTGCACTTGCTGTGGGCTGCAGGGCAAGA-3'
Protein context (NP_001357395.1, residues 264-284): DADTVLVVGE[Ala274Val]GSGKSTLLQR

ClinVar aggregate classification (germline): Uncertain significance. Review status: criteria provided, multiple submitters, no conflicts (2 of 4 stars). 4 submissions from 4 submitters: Uncertain significance (3). 1 of the submissions does not count toward it. Last evaluated 2026-01-21.

Conditions:
Blau syndrome (BLAUS). Also called: GRANULOMATOSIS, FAMILIAL JUVENILE SYSTEMIC; GRANULOMATOSIS, FAMILIAL, BLAU TYPE; GRANULOMATOUS INFLAMMATORY ARTHRITIS, DERMATITIS, AND UVEITIS, FAMILIAL; JABS SYNDROME; ARTHROCUTANEOUVEAL GRANULOMATOSIS. Identifiers: Orphanet 90340, MedGen C5201146, MONDO:0008523, OMIM 186580.
Regional enteritis. Also called: Enteritis, Granulomatous. Identifiers: MedGen C0678202, MeSH D003424.

Allele frequency attached by ClinVar (database versions not stated): gnomAD 0.00004; gnomAD exomes 0.00004 and 0.00005; TOPMed 0.00004; ExAC 0.00006.

Submissions (4):

Labcorp Genetics (formerly Invitae), Labcorp
Classification: Uncertain significance for Regional enteritis; Blau syndrome. Last evaluated: 2026-01-21. Review status: criteria provided, single submitter. Criteria: Invitae Variant Classification Sherloc (09022015). Collection method: clinical testing. Allele origin: germline.
Comment: This sequence change replaces alanine, which is neutral and non-polar, with valine, which is neutral and non-polar, at codon 301 of the NOD2 protein (p.Ala301Val). This variant is present in population databases (rs104895426, gnomAD 0.01%). This missense change has been observed in individual(s) with Crohn disease (PMID: 11385576). ClinVar contains an entry for this variant (Variation ID: 97884). Invitae Evidence Modeling of protein sequence and biophysical properties (such as structural, functional, and spatial information, amino acid conservation, physicochemical variation, residue mobility, and thermodynamic stability) has been performed for this missense variant. However, the output from this modeling did not meet the statistical confidence thresholds required to predict the impact of this variant on NOD2 protein function. In summary, the available evidence is currently insufficient to determine the role of this variant in disease. Therefore, it has been classified as a Variant of Uncertain Significance.

CeGaT Center for Human Genetics Tuebingen
Classification: Uncertain significance. Last evaluated: 2025-07-01. Review status: criteria provided, single submitter. Criteria: CeGaT Center For Human Genetics Tuebingen Variant Classification Criteria Version 2. Collection method: clinical testing. Allele origin: germline. Affected: yes. Observed: 1 variant allele.

ARUP Laboratories, Molecular Genetics and Genomics, ARUP Laboratories
Classification: Uncertain significance. Last evaluated: 2025-03-27. Review status: criteria provided, single submitter. Criteria: ARUP Molecular Germline Variant Investigation Process 2024. Collection method: clinical testing. Allele origin: germline.
Comment: The NOD2 c.902C>T; p.Ala301Val variant (rs104895426, ClinVar Variation ID 97884), to our knowledge, this variant is not reported in the medical literature in individuals with Blau syndrome. It is reported in the literature in one individual affected with Crohnâ€™s disease (Hugot 2001, Lesage 2002). This variant is found in the general population with an overall allele frequency of 0.004% (12/282,286 alleles) in the Genome Aggregation Database (v2.1.1). Computational analyses are uncertain whether this variant is neutral or deleterious (REVEL: 0.63). Due to limited information, the clinical significance of this variant is uncertain at this time. References: Hugot JP et al. Association of NOD2 leucine-rich repeat variants with susceptibility to Crohn's disease. Nature. 2001 May 31;411(6837):599-603. PMID: 11385576. Lesage S et al. CARD15/NOD2 mutational analysis and genotype-phenotype correlation in 612 patients with inflammatory bowel disease. Am J Hum Genet. 2002 Apr;70(4):845-57. PMID: 11875755.

Unité médicale des maladies autoinflammatoires, CHRU Montpellier
No classification provided. Condition: Sarcoidosis, early-onset. Review status: no classification provided. Collection method: not provided. Allele origin: unknown. Not counted in ClinVar's aggregate classification.
Comment: also involved in OMIM 186580 and 266600

Literature cited by the submitters: PubMed 11385576 (cited by Labcorp Genetics (formerly Invitae), Labcorp).